The following is an entry in ClinVar:

ClinVar aggregate classification (germline): Uncertain significance (1 of 4 stars; one submission).

Conditions:
Familial focal epilepsy with variable foci (FPEVF). Identifiers: Orphanet 98820, MedGen C1858477, MONDO:0020310.

Submission:

Labcorp Genetics (formerly Invitae), Labcorp
Classification: Uncertain significance for Familial focal epilepsy with variable foci. Last evaluated: 2022-03-13. Review status: criteria provided, single submitter. Criteria: Invitae Variant Classification Sherloc (09022015). Collection method: clinical testing. Allele origin: germline.
Comment: This variant has not been reported in the literature in individuals affected with DEPDC5-related conditions. In summary, the available evidence is currently insufficient to determine the role of this variant in disease. Therefore, it has been classified as a Variant of Uncertain Significance. Algorithms developed to predict the effect of missense changes on protein structure and function are either unavailable or do not agree on the potential impact of this missense change (SIFT: "Tolerated"; PolyPhen-2: "Not Available"; Align-GVGD: "Class C0"). This variant is not present in population databases (gnomAD no frequency). This sequence change replaces methionine, which is neutral and non-polar, with leucine, which is neutral and non-polar, at codon 152 of the DEPDC5 protein (p.Met152Leu).

NM_001242896.3(DEPDC5):c.454A>T (p.Met152Leu)

Gene: DEPDC5 (DEP domain containing 5, GATOR1 subcomplex subunit; plus strand). Cytogenetic location: 22q12.2.
Variant type: single nucleotide variant.
Coding change: c.454A>T on transcript NM_001242896.3 (MANE Select); coding-DNA position 454, A replaced by T.
Protein change: p.Met152Leu; replaces methionine 152 with leucine.
Molecular consequence: missense variant. On other transcripts: non-coding transcript variant (5).
Genome position (GRCh38, 1-based): chr22:31,778,139, A>T. VCF-style: chr22-31778139-A-T. GRCh37 (hg19) VCF-style: chr22-32174125-A-T.
Other names: c.454A>T, p.Met152Leu (NM_001007188.4, NM_001136029.4, NM_001242897.2 and 7 more transcripts); c.370A>T, p.Met124Leu (NM_001369901.1, NM_001369902.1); short protein forms M124L, M152L.
Identifiers: ClinVar variation 2111318 (VCV002111318.4), dbSNP rs2518228635, ClinGen allele CA411284471.